The following is an entry in ClinVar:

ClinVar aggregate classification (germline): Uncertain significance (1 of 4 stars; one submission).

Conditions:
PKD1-related disorder. Also called: PKD1-related condition.

gnomAD v4.1: 3 of 1,581,538 alleles (0.00019%); highest among the groups gnomAD compares: South Asian, 0.0011%; no homozygotes.

Submission:

PreventionGenetics, part of Exact Sciences
Classification: Uncertain significance for PKD1-related condition. Last evaluated: 2023-10-10. Review status: criteria provided, single submitter. Criteria: ACMG Guidelines, 2015. Collection method: clinical testing. Allele origin: germline.
Comment: The PKD1 c.11960C>T variant is predicted to result in the amino acid substitution p.Ala3987Val. To our knowledge, this variant has not been reported in the literature or in a large population database, indicating this variant is rare. At this time, the clinical significance of this variant is uncertain due to the absence of conclusive functional and genetic evidence.

NM_001009944.3(PKD1):c.11960C>T (p.Ala3987Val)

Gene: PKD1 (polycystin 1, transient receptor potential channel interacting; minus strand). Cytogenetic location: 16p13.3.
Variant type: single nucleotide variant.
Coding change: c.11960C>T on transcript NM_001009944.3 (MANE Select); coding-DNA position 11960, C replaced by T.
Protein change: p.Ala3987Val; replaces alanine 3987 with valine.
Molecular consequence: missense variant.
Genome position (GRCh38, 1-based): chr16:2,090,927, G>A on the plus strand (C>T on the coding strand, the complement: PKD1 is on the minus strand). VCF-style: chr16-2090927-G-A. GRCh37 (hg19) VCF-style: chr16-2140928-G-A.
Other names: c.11957C>T, p.Ala3986Val (NM_000296.4); short protein forms A3986V, A3987V.
Identifiers: ClinVar variation 2633969 (VCV002633969.1), dbSNP rs781622501, ClinGen allele CA394328721.